The following is an entry in ClinVar:

ClinVar aggregate classification (germline): Conflicting classifications of pathogenicity. Review status: criteria provided, conflicting classifications (1 of 4 stars). 3 submissions from 3 submitters: Uncertain significance (1); Likely benign (2). Last evaluated 2025-10-21.

Conditions:
Inborn genetic diseases. Identifiers: MedGen C0950123, MeSH D030342.

gnomAD v4.1: 21 of 1,613,998 alleles (0.0013%); highest among the groups gnomAD compares: East Asian, 0.013%; no homozygotes.

Submissions (3):

Labcorp Genetics (formerly Invitae), Labcorp
Classification: Likely benign. Last evaluated: 2025-10-21. Review status: criteria provided, single submitter. Criteria: Invitae Variant Classification Sherloc (09022015). Collection method: clinical testing. Allele origin: germline.

Ambry Genetics
Classification: Likely benign for Inborn genetic diseases. Last evaluated: 2025-07-12. Review status: criteria provided, single submitter. Criteria: Ambry Variant Classification Scheme 2023. Collection method: clinical testing. Allele origin: germline.

GeneDx
Classification: Uncertain significance. Last evaluated: 2024-10-16. Review status: criteria provided, single submitter. Criteria: GeneDx Variant Classification Process June 2021. Collection method: clinical testing. Allele origin: germline. Affected: yes.
Comment: In silico analysis indicates that this missense variant does not alter protein structure/function; Has not been previously published as pathogenic or benign to our knowledge

NM_001457.4(FLNB):c.2644G>A (p.Val882Met)

Gene: FLNB (filamin B; plus strand). Cytogenetic location: 3p14.3.
Variant type: single nucleotide variant.
Coding change: c.2644G>A on transcript NM_001457.4 (MANE Select); coding-DNA position 2644, G replaced by A.
Protein change: p.Val882Met; replaces valine 882 with methionine.
Molecular consequence: missense variant.
Genome position (GRCh38, 1-based): chr3:58,112,217, G>A. VCF-style: chr3-58112217-G-A. GRCh37 (hg19) VCF-style: chr3-58097944-G-A.
Other names: c.2644G>A, p.Val882Met (NM_001164317.2, NM_001164318.2, NM_001164319.2); c.2644G>A (NM_001457.3); short protein forms V882M.
Identifiers: ClinVar variation 3616988 (VCV003616988.4).